The following is an entry in ClinVar:

ClinVar aggregate classification (germline): Uncertain significance (1 of 4 stars; one submission).

Conditions:
Lethal congenital glycogen storage disease of heart. Also called: GLYCOGEN STORAGE DISEASE OF HEART; PHOSPHORYLASE KINASE DEFICIENCY OF HEART. Identifiers: Orphanet 439854, MedGen C1849813, MONDO:0009867, OMIM 261740.

gnomAD v4.1: 1 of 1,404,380 alleles (0.000071%); highest among the groups gnomAD compares: Non-Finnish European, 0.000094%; no homozygotes.

Submission:

Labcorp Genetics (formerly Invitae), Labcorp
Classification: Uncertain significance for Lethal congenital glycogen storage disease of heart. Last evaluated: 2024-02-18. Review status: criteria provided, single submitter. Criteria: Invitae Variant Classification Sherloc (09022015). Collection method: clinical testing. Allele origin: germline.
Comment: This sequence change replaces alanine, which is neutral and non-polar, with serine, which is neutral and polar, at codon 233 of the PRKAG2 protein (p.Ala233Ser). This variant is not present in population databases (gnomAD no frequency). This variant has not been reported in the literature in individuals affected with PRKAG2-related conditions. Advanced modeling of protein sequence and biophysical properties (such as structural, functional, and spatial information, amino acid conservation, physicochemical variation, residue mobility, and thermodynamic stability) performed at Invitae indicates that this missense variant is not expected to disrupt PRKAG2 protein function with a negative predictive value of 95%. In summary, the available evidence is currently insufficient to determine the role of this variant in disease. Therefore, it has been classified as a Variant of Uncertain Significance.

NM_016203.4(PRKAG2):c.697G>T (p.Ala233Ser)

Genes: PRKAG2 (protein kinase AMP-activated non-catalytic subunit gamma 2; minus strand), LOC129999660 (ATAC-STARR-seq lymphoblastoid silent region 18823; plus strand). Cytogenetic location: 7q36.1.
Variant type: single nucleotide variant.
Coding change: c.697G>T on transcript NM_016203.4 (MANE Select); coding-DNA position 697, G replaced by T.
Protein change: p.Ala233Ser; replaces alanine 233 with serine.
Molecular consequence: missense variant. On other transcripts: 5 prime UTR variant (7), intron variant (3).
Genome position (GRCh38, 1-based): chr7:151,632,126, C>A on the plus strand (G>T on the coding strand, the complement: PRKAG2 is on the minus strand). VCF-style: chr7-151632126-C-A. GRCh37 (hg19) VCF-style: chr7-151329212-C-A.
Other names: c.565G>T, p.Ala189Ser (NM_001040633.2, NM_001407024.1, NM_001407026.1 and 1 more transcripts); c.325G>T, p.Ala109Ser (NM_001304527.2, NM_001363698.2, NM_001407028.1 and 1 more transcripts); c.-27G>T (NM_001304531.2, NM_001407034.1, NM_001407035.1 and 4 more transcripts); c.697G>T, p.Ala233Ser (NM_001407021.1, NM_001407022.1, NM_001407023.1); c.379G>T, p.Ala127Ser (NM_001407032.1); c.373G>T, p.Ala125Ser (NM_001407033.1); c.25G>T, p.Ala9Ser (NM_001407038.1); c.467-36675G>T (NM_001407031.1); and 2 more; short protein forms A109S, A125S, A127S, A189S, A233S, A9S.
Identifiers: ClinVar variation 3616831 (VCV003616831.2).